The following is an entry in ClinVar:

NM_025114.4(CEP290):c.623T>C (p.Leu208Ser)

Gene: CEP290 (centrosomal protein 290; minus strand). Cytogenetic location: 12q21.32.
Variant type: single nucleotide variant.
Coding change: c.623T>C on transcript NM_025114.4 (MANE Select); coding-DNA position 623, T replaced by C.
Protein change: p.Leu208Ser; replaces leucine 208 with serine.
Molecular consequence: missense variant.
Genome position (GRCh38, 1-based): chr12:88,130,314, A>G on the plus strand (T>C on the coding strand, the complement: CEP290 is on the minus strand). VCF-style: chr12-88130314-A-G. GRCh37 (hg19) VCF-style: chr12-88524091-A-G.
Other names: short protein forms L208S.
Identifiers: ClinVar variation 4993694 (VCV004993694.1).

ClinVar aggregate classification (germline): Uncertain significance (1 of 4 stars; one submission).

Conditions:
CEP290-related disorder. Also called: CEP290-related disorders; CEP290-related condition. Identifiers: MedGen CN239314.

Submission:

PreventionGenetics, part of Exact Sciences
Classification: Uncertain significance for CEP290-related condition. Last evaluated: 2026-03-04. Review status: criteria provided, single submitter. Criteria: ACMG Guidelines, 2015. Collection method: clinical testing. Allele origin: germline.
Comment: The CEP290 c.623T>C variant is predicted to result in the amino acid substitution p.Leu208Ser. To our knowledge, this variant has not been reported in the literature or in a large population database (gnomAD), indicating this variant is rare. At this time, the clinical significance of this variant is uncertain due to the absence of conclusive functional and genetic evidence.